The following is an entry in ClinVar:

NM_002047.2(GARS1):c.-205C>T

Gene: GARS1 (glycyl-tRNA synthetase 1; plus strand). Cytogenetic location: 7p14.3.
Variant type: single nucleotide variant.
Coding change: c.-205C>T on transcript NM_002047.2; 205 bases upstream of the start codon, C replaced by T.
Genome position (GRCh38, 1-based): chr7:30,594,717, C>T. VCF-style: chr7-30594717-C-T. GRCh37 (hg19) VCF-style: chr7-30634333-C-T.
Identifiers: ClinVar variation 359994 (VCV000359994.9), dbSNP rs17159262, ClinGen allele CA10628950.
Genomic context (GRCh38, chr7:30,594,717, plus strand): 5'-TGGGGTGGCTTGACGCACTTCTGTGCAAATCTGTTCGCTCGCAACCCTACCTACCTCTCT[C>T]CCGAACCGGAGAAAACCTTCGGCGGGGTCCTTCCGGGTTTTGTGTCGAATCTGCGGCGGC-3'

ClinVar aggregate classification (germline): Benign/Likely benign. Review status: criteria provided, multiple submitters, no conflicts (2 of 4 stars). 5 submissions from 3 submitters: Benign (3); Likely benign (2). Last evaluated 2018-06-14.

Conditions:
Distal spinal muscular atrophy. Also called: Distal hereditary motor neuronopathy; Distal hereditary motor neuropathy. Identifiers: Orphanet 53739, MedGen C0393541, MONDO:0018894.
Neuronopathy, distal hereditary motor, type 5A (HMND5). Also called: Distal Spinal Muscular Atrophy V; Distal Spinal Muscular Atrophy V (dSMA-V); NEURONOPATHY, DISTAL HEREDITARY MOTOR, AUTOSOMAL DOMINANT 5; DHMN VA. Identifiers: Orphanet 139536, MedGen CN031873, MONDO:0015353, OMIM 600794.
Charcot-Marie-Tooth disease type 2D (CMT2D). Also called: Charcot-Marie-Tooth Neuropathy Type 2D; CHARCOT-MARIE-TOOTH DISEASE, AXONAL, TYPE 2D; GARS1 Adolescent- or Early Adult-Onset Hereditary Motor/Sensory Neuropathy (GARS1-HMSN); CHARCOT-MARIE-TOOTH DISEASE, NEURONAL, TYPE 2D. Identifiers: Orphanet 99938, MedGen C1832274, MONDO:0011091, OMIM 601472.

Allele frequency attached by ClinVar (database versions not stated): gnomAD 0.03007 and 0.02804; TOPMed 0.03059; 1000 Genomes Project 30x 0.01452; 1000 Genomes Project 0.01518; gnomAD exomes 0.02365.

Submissions (5):

GeneDx
Classification: Likely benign. Last evaluated: 2018-06-14. Review status: criteria provided, single submitter. Criteria: GeneDx Variant Classification (06012015). Collection method: clinical testing. Allele origin: germline. Affected: yes.
Comment: This variant is considered likely benign or benign based on one or more of the following criteria: it is a conservative change, it occurs at a poorly conserved position in the protein, it is predicted to be benign by multiple in silico algorithms, and/or has population frequency not consistent with disease.

Illumina Laboratory Services, Illumina
Classification: Benign for Distal Spinal Muscular Atrophy. Last evaluated: 2018-01-12. Review status: criteria provided, single submitter. Criteria: ICSL Variant Classification Criteria 13 December 2019. Collection method: clinical testing. Allele origin: germline.
Comment: This variant was observed in the ICSL laboratory as part of a predisposition screen in an ostensibly healthy population. It had not been previously curated by ICSL or reported in the Human Gene Mutation Database (HGMD: prior to June 1st, 2018), and was therefore a candidate for classification through an automated scoring system. Utilizing variant allele frequency, disease prevalence and penetrance estimates, and inheritance mode, an automated score was calculated to assess if this variant is too frequent to cause the disease. Based on the score and internal cut-off values, a variant classified as benign is not then subjected to further curation. The score for this variant resulted in a classification of benign for this disease.

Illumina Laboratory Services, Illumina
Classification: Benign for Distal hereditary motor neuronopathy type 5. Last evaluated: 2018-01-12. Review status: criteria provided, single submitter. Criteria: ICSL Variant Classification Criteria 13 December 2019. Collection method: clinical testing. Allele origin: germline.
Comment: the same text as in the submission from Illumina Laboratory Services, Illumina above.

Illumina Laboratory Services, Illumina
Classification: Benign for Charcot-Marie-Tooth disease type 2D. Last evaluated: 2018-01-12. Review status: criteria provided, single submitter. Criteria: ICSL Variant Classification Criteria 13 December 2019. Collection method: clinical testing. Allele origin: germline.
Comment: the same text as in the submission from Illumina Laboratory Services, Illumina above.

Breakthrough Genomics
Classification: Likely benign. Review status: criteria provided, single submitter. Criteria: ACMG Guidelines, 2015. Collection method: not provided. Allele origin: germline. Inheritance: Autosomal dominant inheritance. Affected: yes.